The following is an entry in ClinVar:

NM_012233.3(RAB3GAP1):c.2824C>T (p.Arg942Cys)

Gene: RAB3GAP1 (RAB3 GTPase activating protein catalytic subunit 1; plus strand). Cytogenetic location: 2q21.3.
Variant type: single nucleotide variant.
Coding change: c.2824C>T on transcript NM_012233.3 (MANE Select); coding-DNA position 2824, C replaced by T.
Protein change: p.Arg942Cys; replaces arginine 942 with cysteine.
Molecular consequence: missense variant.
Genome position (GRCh38, 1-based): chr2:135,168,659, C>T. VCF-style: chr2-135168659-C-T. GRCh37 (hg19) VCF-style: chr2-135926229-C-T.
Other names: c.2845C>T, p.Arg949Cys (NM_001172435.2); short protein forms R942C, R949C.
Identifiers: ClinVar variation 1385993 (VCV001385993.8), dbSNP rs765669766, ClinGen allele CA1885206.

ClinVar aggregate classification (germline): Uncertain significance. Review status: criteria provided, multiple submitters, no conflicts (2 of 4 stars). 2 submissions from 2 submitters: Uncertain significance (2). Last evaluated 2023-08-17.

Allele frequency attached by ClinVar (database versions not stated): ExAC 0.00003; gnomAD 0.00003 and 0.00004; gnomAD exomes 0.00003; TOPMed 0.00004.
gnomAD v4.1: 29 of 1,614,196 alleles (0.0018%); highest among the groups gnomAD compares: South Asian, 0.013%; no homozygotes.

Submissions (2):

Labcorp Genetics (formerly Invitae), Labcorp
Classification: Uncertain significance. Last evaluated: 2023-08-17. Review status: criteria provided, single submitter. Criteria: Invitae Variant Classification Sherloc (09022015). Collection method: clinical testing. Allele origin: germline.
Comment: In summary, the available evidence is currently insufficient to determine the role of this variant in disease. Therefore, it has been classified as a Variant of Uncertain Significance. Advanced modeling of protein sequence and biophysical properties (such as structural, functional, and spatial information, amino acid conservation, physicochemical variation, residue mobility, and thermodynamic stability) performed at Invitae indicates that this missense variant is expected to disrupt RAB3GAP1 protein function. This sequence change replaces arginine, which is basic and polar, with cysteine, which is neutral and slightly polar, at codon 942 of the RAB3GAP1 protein (p.Arg942Cys). This variant is present in population databases (rs765669766, gnomAD 0.01%). This variant has not been reported in the literature in individuals affected with RAB3GAP1-related conditions. ClinVar contains an entry for this variant (Variation ID: 1385993).

GeneDx
Classification: Uncertain significance. Last evaluated: 2022-01-14. Review status: criteria provided, single submitter. Criteria: GeneDx Variant Classification Process June 2021. Collection method: clinical testing. Allele origin: germline. Affected: yes.
Comment: In silico analysis supports that this missense variant has a deleterious effect on protein structure/function; This variant is associated with the following publications: (PMID: 20359920)